The following is an entry in ClinVar:

NM_006059.4(LAMC3):c.4396G>A (p.Glu1466Lys)

Gene: LAMC3 (laminin subunit gamma 3; plus strand). Cytogenetic location: 9q34.12.
Variant type: single nucleotide variant.
Coding change: c.4396G>A on transcript NM_006059.4 (MANE Select); coding-DNA position 4396, G replaced by A.
Protein change: p.Glu1466Lys; replaces glutamic acid 1466 with lysine.
Molecular consequence: missense variant.
Genome position (GRCh38, 1-based): chr9:131,087,736, G>A. VCF-style: chr9-131087736-G-A. GRCh37 (hg19) VCF-style: chr9-133963123-G-A.
Other names: short protein forms E1466K.
Identifiers: ClinVar variation 1594559 (VCV001594559.10), dbSNP rs199978510, ClinGen allele CA5288173.

ClinVar aggregate classification (germline): Conflicting classifications of pathogenicity. Review status: criteria provided, conflicting classifications (1 of 4 stars). 2 submissions from 2 submitters: Uncertain significance (1); Likely benign (1). Last evaluated 2026-06-26.

Allele frequency attached by ClinVar (database versions not stated): TOPMed 0.00014; 1000 Genomes Project 0.00060; 1000 Genomes Project 30x 0.00078; gnomAD 0.00008 and 0.00011; ExAC 0.00017; gnomAD exomes 0.00007 and 0.00019.
gnomAD v4.1: 125 of 1,614,168 alleles (0.0077%); highest among the groups gnomAD compares: East Asian, 0.13%; no homozygotes.

Submissions (2):

Women's Health and Genetics/Laboratory Corporation of America, LabCorp
Classification: Uncertain significance. Last evaluated: 2026-06-26. Review status: criteria provided, single submitter. Criteria: LabCorp Variant Classification Summary - May 2015. Collection method: clinical testing. Allele origin: germline.
Comment: Variant summary: LAMC3 c.4396G>A (p.Glu1466Lys) results in a conservative amino acid change in the encoded protein sequence. Algorithms developed to predict the effect of missense changes on protein structure and function all suggest that this variant is likely to be tolerated. The variant allele was found at a frequency of 0.00019 in 251320 control chromosomes. This frequency is not significantly higher than estimated for disease-causing variants in LAMC3, allowing no conclusion about variant significance. To our knowledge, no occurrence of c.4396G>A in individuals affected with LAMC3-related conditions and no experimental evidence demonstrating its impact on protein function have been reported. ClinVar contains an entry for this variant (Variation ID: 1594559). Based on the evidence outlined above, the variant was classified as uncertain significance.

Labcorp Genetics (formerly Invitae), Labcorp
Classification: Likely benign. Last evaluated: 2025-06-04. Review status: criteria provided, single submitter. Criteria: Invitae Variant Classification Sherloc (09022015). Collection method: clinical testing. Allele origin: germline.